The following is an entry in ClinVar:

ClinVar aggregate classification (germline): Likely pathogenic (1 of 4 stars; one submission).

Conditions:
Charcot-Marie-Tooth disease type 4. Also called: Charcot-Marie-Tooth disease, type IV; Charcot-Marie-Tooth, Type 4. Identifiers: Orphanet 64749, MedGen C4082197, MONDO:0018995.

Submission:

Labcorp Genetics (formerly Invitae), Labcorp
Classification: Likely pathogenic for Charcot-Marie-Tooth disease type 4. Last evaluated: 2022-08-16. Review status: criteria provided, single submitter. Criteria: Invitae Variant Classification Sherloc (09022015). Collection method: clinical testing. Allele origin: germline.
Comment: In summary, the currently available evidence indicates that the variant is pathogenic, but additional data are needed to prove that conclusively. Therefore, this variant has been classified as Likely Pathogenic. Algorithms developed to predict the effect of sequence changes on RNA splicing suggest that this variant may disrupt the consensus splice site. ClinVar contains an entry for this variant (Variation ID: 1481482). This variant has not been reported in the literature in individuals affected with FGD4-related conditions. This variant is not present in population databases (gnomAD no frequency). This sequence change affects a donor splice site in intron 9 of the FGD4 gene. It is expected to disrupt RNA splicing. Variants that disrupt the donor or acceptor splice site typically lead to a loss of protein function (PMID: 16199547), and loss-of-function variants in FGD4 are known to be pathogenic (PMID: 17564972).

Literature cited by the submitters: PubMed 16199547; PubMed 17564972.

NM_001370298.3(FGD4):c.1602+1G>C

Gene: FGD4 (FYVE, RhoGEF and PH domain containing 4; plus strand). Cytogenetic location: 12p11.21.
Variant type: single nucleotide variant.
Coding change: c.1602+1G>C on transcript NM_001370298.3 (MANE Select); the canonical splice donor site of the intron after coding-DNA position 1602, G replaced by C.
Molecular consequence: splice donor variant.
Genome position (GRCh38, 1-based): chr12:32,610,835, G>C. VCF-style: chr12-32610835-G-C. GRCh37 (hg19) VCF-style: chr12-32763769-G-C.
Other names: c.1602+1G>C (NM_001384126.1); c.1446+1G>C (NM_001304481.2); c.912+1G>C (NM_001330374.2, NM_001330373.2, NM_001384130.1); c.1191+1G>C (NM_139241.3, NM_001384127.1, NM_001385118.1 and 1 more transcripts); c.159+1G>C (NM_001304484.2); c.639+1G>C (NM_001370297.1); c.447+1G>C (NM_001304483.2).
Identifiers: ClinVar variation 1481482 (VCV001481482.6), dbSNP rs2136763097, ClinGen allele CA384360923.